The following is an entry in ClinVar:

NM_001379200.1(TBX1):c.1465TCG[1] (p.Ser490del)

Gene: TBX1 (T-box transcription factor 1; plus strand). Cytogenetic location: 22q11.21.
Variant type: Microsatellite.
Coding change: c.1465TCG[1] on transcript NM_001379200.1 (MANE Select); one copy of the 3-base unit TCG starting at c.1465; the reference has two copies in a row; one copy, 3 bases deleted.
Protein change: p.Ser490del; deletes serine 490.
Molecular consequence: inframe deletion. On other transcripts: intron variant (2).
Genome position (GRCh38, 1-based): chr22:19,766,820-19,766,822, TCG deleted; deleting any 3 consecutive bases within chr22:19,766,817-19,766,822 gives the same sequence; the position shown is the placement nearest the transcript's 3' end. VCF-style (leftmost placement, unchanged base first): chr22-19766816-CTCG-C. GRCh37 (hg19) VCF-style: chr22-19754339-CTCG-C.
Other names: c.1438TCG[1], p.Ser481del (NM_080647.1); c.1009+818_1009+820del (NM_005992.1, NM_080646.2); short protein forms S481del, S490del.
Identifiers: ClinVar variation 2146836 (VCV002146836.4), dbSNP rs971560981, ClinGen allele CA322059068.

ClinVar aggregate classification (germline): Uncertain significance (1 of 4 stars; one submission).

Conditions:
DiGeorge syndrome. Also called: Catch22; THIRD AND FOURTH PHARYNGEAL POUCH SYNDROME. Identifiers: Orphanet 567, MedGen C0012236, MONDO:0008564, OMIM 188400.

Submission:

Labcorp Genetics (formerly Invitae), Labcorp
Classification: Uncertain significance for DiGeorge syndrome. Last evaluated: 2025-11-21. Review status: criteria provided, single submitter. Criteria: Invitae Variant Classification Sherloc (09022015). Collection method: clinical testing. Allele origin: germline.
Comment: This variant, c.1441_1443del, results in the deletion of 1 amino acid(s) of the TBX1 protein (p.Ser481del), but otherwise preserves the integrity of the reading frame. This variant is present in population databases (no rsID available, gnomAD 0.01%). This variant has not been reported in the literature in individuals affected with TBX1-related conditions. Experimental studies and prediction algorithms are not available or were not evaluated, and the functional significance of this variant is currently unknown. In summary, the available evidence is currently insufficient to determine the role of this variant in disease. Therefore, it has been classified as a Variant of Uncertain Significance.